The following is an entry in ClinVar:

ClinVar aggregate classification (germline): Uncertain significance. Review status: criteria provided, multiple submitters, no conflicts (2 of 4 stars). 2 submissions from 2 submitters: Uncertain significance (2). Last evaluated 2025-07-20.

Conditions:
Catecholaminergic polymorphic ventricular tachycardia 1. Also called: VENTRICULAR TACHYCARDIA, CATECHOLAMINERGIC POLYMORPHIC, 1, WITH OR WITHOUT ATRIAL DYSFUNCTION AND/OR DILATED CARDIOMYOPATHY; VENTRICULAR TACHYCARDIA, STRESS-INDUCED POLYMORPHIC 1; RYR2-Related Catecholaminergic Polymorphic Ventricular Tachycardia. Identifiers: Orphanet 3286, MedGen C1631597, MONDO:0011484, OMIM 604772.

Submissions (2):

Labcorp Genetics (formerly Invitae), Labcorp
Classification: Uncertain significance for Catecholaminergic polymorphic ventricular tachycardia 1. Last evaluated: 2025-07-20. Review status: criteria provided, single submitter. Criteria: Invitae Variant Classification Sherloc (09022015). Collection method: clinical testing. Allele origin: germline.
Comment: This sequence change replaces isoleucine, which is neutral and non-polar, with threonine, which is neutral and polar, at codon 2478 of the RYR2 protein (p.Ile2478Thr). This variant is not present in population databases (gnomAD no frequency). This variant has not been reported in the literature in individuals affected with RYR2-related conditions. ClinVar contains an entry for this variant (Variation ID: 1350743). Invitae Evidence Modeling of protein sequence and biophysical properties (such as structural, functional, and spatial information, amino acid conservation, physicochemical variation, residue mobility, and thermodynamic stability) indicates that this missense variant is expected to disrupt RYR2 protein function with a positive predictive value of 95%. In summary, the available evidence is currently insufficient to determine the role of this variant in disease. Therefore, it has been classified as a Variant of Uncertain Significance.

GeneDx
Classification: Uncertain significance. Last evaluated: 2025-04-03. Review status: criteria provided, single submitter. Criteria: GeneDx Variant Classification Process June 2021. Collection method: clinical testing. Allele origin: germline. Affected: yes.
Comment: Not observed at significant frequency in large population cohorts (gnomAD); In silico analysis supports that this missense variant has a deleterious effect on protein structure/function; Has not been previously published as pathogenic or benign to our knowledge; This variant is associated with the following publications: (PMID: 19926015)

NM_001035.3(RYR2):c.7433T>C (p.Ile2478Thr)

Gene: RYR2 (ryanodine receptor 2; plus strand). Cytogenetic location: 1q43.
Variant type: single nucleotide variant.
Coding change: c.7433T>C on transcript NM_001035.3 (MANE Select); coding-DNA position 7433, T replaced by C.
Protein change: p.Ile2478Thr; replaces isoleucine 2478 with threonine.
Molecular consequence: missense variant.
Genome position (GRCh38, 1-based): chr1:237,648,534, T>C. VCF-style: chr1-237648534-T-C. GRCh37 (hg19) VCF-style: chr1-237811834-T-C.
Other names: c.7433T>C (NM_001035.2); short protein forms I2478T.
Identifiers: ClinVar variation 1350743 (VCV001350743.8), dbSNP rs2148789857, ClinGen allele CA345398380.